The following is an entry in ClinVar:

NM_001378964.1(CDON):c.1435C>G (p.Gln479Glu)

Gene: CDON (cell adhesion associated, oncogene regulated; minus strand). Cytogenetic location: 11q24.2.
Variant type: single nucleotide variant.
Coding change: c.1435C>G on transcript NM_001378964.1 (MANE Select); coding-DNA position 1435, C replaced by G.
Protein change: p.Gln479Glu; replaces glutamine 479 with glutamic acid.
Molecular consequence: missense variant.
Genome position (GRCh38, 1-based): chr11:126,010,458, G>C on the plus strand (C>G on the coding strand, the complement: CDON is on the minus strand). VCF-style: chr11-126010458-G-C. GRCh37 (hg19) VCF-style: chr11-125880353-G-C.
Other names: c.1435C>G, p.Gln479Glu (NM_001243597.3, NM_016952.6); short protein forms Q479E.
Identifiers: ClinVar variation 3674383 (VCV003674383.2).

ClinVar aggregate classification (germline): Uncertain significance (1 of 4 stars; one submission).

Conditions:
Holoprosencephaly 11 (HPE11). Identifiers: Orphanet 2162, MedGen C3280215, MONDO:0013642, OMIM 614226.

gnomAD v4.1: 1 of 1,614,158 alleles (0.000062%); highest among the groups gnomAD compares: Admixed American, 0.0017%; no homozygotes.

Submission:

Labcorp Genetics (formerly Invitae), Labcorp
Classification: Uncertain significance for Holoprosencephaly 11. Last evaluated: 2024-09-05. Review status: criteria provided, single submitter. Criteria: Invitae Variant Classification Sherloc (09022015). Collection method: clinical testing. Allele origin: germline.
Comment: This sequence change replaces glutamine, which is neutral and polar, with glutamic acid, which is acidic and polar, at codon 479 of the CDON protein (p.Gln479Glu). This variant is present in population databases (no rsID available, gnomAD 0.003%). This variant has not been reported in the literature in individuals affected with CDON-related conditions. Invitae Evidence Modeling of protein sequence and biophysical properties (such as structural, functional, and spatial information, amino acid conservation, physicochemical variation, residue mobility, and thermodynamic stability) indicates that this missense variant is not expected to disrupt CDON protein function with a negative predictive value of 80%. In summary, the available evidence is currently insufficient to determine the role of this variant in disease. Therefore, it has been classified as a Variant of Uncertain Significance.